The following is an entry in ClinVar:

NM_000097.7(CPOX):c.*927G>A

Gene: CPOX (coproporphyrinogen oxidase; minus strand). Cytogenetic location: 3q11.2.
Variant type: single nucleotide variant.
Coding change: c.*927G>A on transcript NM_000097.7 (MANE Select); 927 bases downstream of the stop codon, G replaced by A.
Molecular consequence: 3 prime UTR variant.
Genome position (GRCh38, 1-based): chr3:98,579,756, C>T on the plus strand (G>A on the coding strand, the complement: CPOX is on the minus strand). VCF-style: chr3-98579756-C-T. GRCh37 (hg19) VCF-style: chr3-98298600-C-T.
Other names: c.*927G>A (LRG_1077t1).
Identifiers: ClinVar variation 346955 (VCV000346955.6), dbSNP rs7103, ClinGen allele CA10617588.

ClinVar aggregate classification (germline): Benign. Review status: criteria provided, multiple submitters, no conflicts (2 of 4 stars). 2 submissions from 2 submitters: Benign (2). Last evaluated 2018-01-13.

Conditions:
Hereditary coproporphyria (HCP). Also called: Hereditary coproporphyria porphyria; Porphyria hepatica coproporphyria; Porphyria hepatica II; CPRO deficiency; COPROPORPHYRINOGEN OXIDASE DEFICIENCY; CPO DEFICIENCY. Identifiers: Orphanet 79273, MedGen C0162531, MONDO:0007369, OMIM 121300.

Allele frequency attached by ClinVar (database versions not stated): 1000 Genomes Project 30x 0.30887; gnomAD 0.30903 and 0.31503; TOPMed 0.31065; 1000 Genomes Project 0.31530; gnomAD exomes 0.35884.
gnomAD v4.1: 346,686 of 984,446 alleles (35%); highest among the groups gnomAD compares: Middle Eastern, 44%; 62,131 homozygotes.

Submissions (2):

Illumina Laboratory Services, Illumina
Classification: Benign for Hereditary coproporphyria. Last evaluated: 2018-01-13. Review status: criteria provided, single submitter. Criteria: ICSL Variant Classification Criteria 13 December 2019. Collection method: clinical testing. Allele origin: germline.
Comment: This variant was observed in the ICSL laboratory as part of a predisposition screen in an ostensibly healthy population. It had not been previously curated by ICSL or reported in the Human Gene Mutation Database (HGMD: prior to June 1st, 2018), and was therefore a candidate for classification through an automated scoring system. Utilizing variant allele frequency, disease prevalence and penetrance estimates, and inheritance mode, an automated score was calculated to assess if this variant is too frequent to cause the disease. Based on the score and internal cut-off values, a variant classified as benign is not then subjected to further curation. The score for this variant resulted in a classification of benign for this disease.

Breakthrough Genomics
Classification: Benign. Review status: criteria provided, single submitter. Criteria: ACMG Guidelines, 2015. Collection method: not provided. Allele origin: germline. Inheritance: Autosomal recessive inheritance. Affected: yes.